The following is an entry in ClinVar:

ClinVar aggregate classification (germline): Uncertain significance. Review status: criteria provided, multiple submitters, no conflicts (2 of 4 stars). 2 submissions from 2 submitters: Uncertain significance (2). Last evaluated 2023-09-21.

Conditions:
Hypotonia, infantile, with psychomotor retardation and characteristic facies 2 (IHPRF2). Also called: UNC80 Deficiency. Identifiers: Orphanet 371364, Orphanet 700333, MedGen C4225203, MONDO:0014777, OMIM 616801.

Allele frequency attached by ClinVar (database versions not stated): gnomAD exomes below 0.00001 and 0.00001; gnomAD 0.00001; TOPMed 0.00001.
gnomAD v4.1: 2 of 1,551,572 alleles (0.00013%); highest among the groups gnomAD compares: Admixed American, 0.0039%; no homozygotes.

Submissions (2):

Labcorp Genetics (formerly Invitae), Labcorp
Classification: Uncertain significance. Last evaluated: 2023-09-21. Review status: criteria provided, single submitter. Criteria: Invitae Variant Classification Sherloc (09022015). Collection method: clinical testing. Allele origin: germline.
Comment: This sequence change replaces glycine, which is neutral and non-polar, with glutamic acid, which is acidic and polar, at codon 473 of the UNC80 protein (p.Gly473Glu). This variant is present in population databases (no rsID available, gnomAD 0.004%). This variant has not been reported in the literature in individuals affected with UNC80-related conditions. ClinVar contains an entry for this variant (Variation ID: 1031499). An algorithm developed to predict the effect of missense changes on protein structure and function (PolyPhen-2) suggests that this variant is likely to be disruptive. In summary, the available evidence is currently insufficient to determine the role of this variant in disease. Therefore, it has been classified as a Variant of Uncertain Significance.

Baylor Genetics
Classification: Uncertain significance for Hypotonia, infantile, with psychomotor retardation and characteristic facies 2. Last evaluated: 2018-05-24. Review status: criteria provided, single submitter. Criteria: ACMG Guidelines, 2015. Collection method: clinical testing. Allele origin: paternal. Affected: yes.
Comment: This variant was determined to be of uncertain significance according to ACMG Guidelines, 2015 [PMID:25741868].

NM_001371986.1(UNC80):c.1418G>A (p.Gly473Glu)

Gene: UNC80 (unc-80 subunit of NALCN channel complex; plus strand). Cytogenetic location: 2q34.
Variant type: single nucleotide variant.
Coding change: c.1418G>A on transcript NM_001371986.1 (MANE Select); coding-DNA position 1418, G replaced by A.
Protein change: p.Gly473Glu; replaces glycine 473 with glutamic acid.
Molecular consequence: missense variant.
Genome position (GRCh38, 1-based): chr2:209,816,991, G>A. VCF-style: chr2-209816991-G-A. GRCh37 (hg19) VCF-style: chr2-210681715-G-A.
Other names: c.1418G>A, p.Gly473Glu (NM_032504.2, NM_182587.4); short protein forms G473E.
Identifiers: ClinVar variation 1031499 (VCV001031499.5), dbSNP rs1275252527, ClinGen allele CA350134565.